The following is an entry in ClinVar:

ClinVar aggregate classification (germline): Benign/Likely benign. Review status: criteria provided, multiple submitters, no conflicts (2 of 4 stars). 7 submissions from 7 submitters: Benign (5); Likely benign (1). 1 of the submissions does not count toward it. Last evaluated 2026-02-01.

Conditions:
LRP2-related disorder. Also called: LRP2-related condition.
Donnai-Barrow syndrome. Also called: FACIOOCULOACOUSTICORENAL SYNDROME; DBS/FOAR SYNDROME. Identifiers: Orphanet 2143, MedGen C1857277, MONDO:0009104, OMIM 222448.

Allele frequency attached by ClinVar (database versions not stated): gnomAD exomes 0.00035; gnomAD 0.00336 and 0.00369; 1000 Genomes Project 0.00339; TOPMed 0.00418; 1000 Genomes Project 30x 0.00422; ESP Exome Variant Server 0.00431.
gnomAD v4.1: 1,037 of 1,614,050 alleles (0.064%); highest among the groups gnomAD compares: African/African-American, 1.3%; 4 homozygotes.

Submissions (7):

Labcorp Genetics (formerly Invitae), Labcorp
Classification: Benign. Last evaluated: 2026-02-01. Review status: criteria provided, single submitter. Criteria: Invitae Variant Classification Sherloc (09022015). Collection method: clinical testing. Allele origin: germline.

Blueprint Genetics
Classification: Likely benign. Last evaluated: 2024-10-14. Review status: criteria provided, single submitter. Criteria: ACMG Guidelines, 2015. Collection method: clinical testing. Allele origin: germline.

Genome-Nilou Lab
Classification: Benign for Donnai-Barrow syndrome. Last evaluated: 2021-07-15. Review status: criteria provided, single submitter. Criteria: ACMG Guidelines, 2015. Collection method: clinical testing. Allele origin: germline. Affected: no.

Illumina Laboratory Services, Illumina
Classification: Benign for Donnai-Barrow syndrome. Last evaluated: 2018-01-13. Review status: criteria provided, single submitter. Criteria: ICSL Variant Classification Criteria 13 December 2019. Collection method: clinical testing. Allele origin: germline.
Comment: This variant was observed in the ICSL laboratory as part of a predisposition screen in an ostensibly healthy population. It had not been previously curated by ICSL or reported in the Human Gene Mutation Database (HGMD: prior to June 1st, 2018), and was therefore a candidate for classification through an automated scoring system. Utilizing variant allele frequency, disease prevalence and penetrance estimates, and inheritance mode, an automated score was calculated to assess if this variant is too frequent to cause the disease. Based on the score and internal cut-off values, a variant classified as benign is not then subjected to further curation. The score for this variant resulted in a classification of benign for this disease.

Genetic Services Laboratory, University of Chicago
Classification: Benign. Last evaluated: 2014-05-01. Review status: criteria provided, single submitter. Criteria: ACMG Guidelines, 2007. Collection method: clinical testing. Allele origin: germline.

Breakthrough Genomics
Classification: Benign. Review status: criteria provided, single submitter. Criteria: ACMG Guidelines, 2015. Collection method: not provided. Allele origin: germline. Inheritance: Autosomal recessive inheritance. Affected: yes.

PreventionGenetics, part of Exact Sciences
Classification: Benign for LRP2-related condition. Last evaluated: 2019-07-17. Review status: no assertion criteria provided. Collection method: clinical testing. Allele origin: germline. Not counted in ClinVar's aggregate classification.
Comment: This variant is classified as benign based on ACMG/AMP sequence variant interpretation guidelines (Richards et al. 2015 PMID: 25741868, with internal and published modifications).

NM_004525.3(LRP2):c.6194T>C (p.Ile2065Thr)

Gene: LRP2 (LDL receptor related protein 2; minus strand). Cytogenetic location: 2q31.1.
Variant type: single nucleotide variant.
Coding change: c.6194T>C on transcript NM_004525.3 (MANE Select); coding-DNA position 6194, T replaced by C.
Protein change: p.Ile2065Thr; replaces isoleucine 2065 with threonine.
Molecular consequence: missense variant.
Genome position (GRCh38, 1-based): chr2:169,212,054, A>G on the plus strand (T>C on the coding strand, the complement: LRP2 is on the minus strand). VCF-style: chr2-169212054-A-G. GRCh37 (hg19) VCF-style: chr2-170068564-A-G.
Other names: short protein forms I2065T.
Identifiers: ClinVar variation 129532 (VCV000129532.24), dbSNP rs2228168, ClinGen allele CA153601.
Genomic context (GRCh38, chr2:169,212,054, plus strand): 5'-TCTGAATGATCTGACAATTCCAAGCTAAAGCCTCTGATTGCAGACAGCATTGAAACAACA[A>G]TGAAAGAGTTATATGGAGAGCAGGACCGATTATCAGGATTGAGTTTAAATCCAGTGGCAC-3'
Protein context (NP_004516.2, residues 2055-2075): NRSCSPYNSF[Ile2065Thr]VVSMLSAIRG